The following is an entry in ClinVar:

NM_019032.6(ADAMTSL4):c.1130C>A (p.Ala377Glu)

Genes: ADAMTSL4 (ADAMTS like 4; plus strand), ADAMTSL4-AS2 (ADAMTSL4 antisense RNA 2; minus strand). Cytogenetic location: 1q21.2.
Variant type: single nucleotide variant.
Coding change: c.1130C>A on transcript NM_019032.6 (MANE Select); coding-DNA position 1130, C replaced by A.
Protein change: p.Ala377Glu; replaces alanine 377 with glutamic acid.
Molecular consequence: missense variant.
Genome position (GRCh38, 1-based): chr1:150,554,121, C>A. VCF-style: chr1-150554121-C-A. GRCh37 (hg19) VCF-style: chr1-150526597-C-A.
Other names: c.1130C>A, p.Ala377Glu (NM_001288607.2, NM_001288608.2, NM_001378596.1 and 1 more transcripts); short protein forms A377E.
Identifiers: ClinVar variation 874363 (VCV000874363.8), dbSNP rs756900218, ClinGen allele CA1078122.

ClinVar aggregate classification (germline): Uncertain significance. Review status: criteria provided, multiple submitters, no conflicts (2 of 4 stars). 5 submissions from 4 submitters: Uncertain significance (5). Last evaluated 2026-02-24.

Conditions:
Inborn genetic diseases. Identifiers: MedGen C0950123, MeSH D030342.
Ectopia lentis 2, isolated, autosomal recessive (ECTOL2). Identifiers: Orphanet 1885, MedGen C3541474, MONDO:0009152, OMIM 225100.
Ectopia lentis et pupillae. Also called: ECTOPIA LENTIS WITH ECTOPIA OF PUPIL. Identifiers: Orphanet 1885, MedGen C1644196, MONDO:0009153, OMIM 225200.

Allele frequency attached by ClinVar (database versions not stated): gnomAD 0.00006; TOPMed 0.00006; ExAC 0.00004.

Submissions (5):

Ambry Genetics
Classification: Uncertain significance for Inborn genetic diseases. Last evaluated: 2026-02-24. Review status: criteria provided, single submitter. Criteria: Ambry Variant Classification Scheme 2023. Collection method: clinical testing. Allele origin: germline.

Genome-Nilou Lab
Classification: Uncertain significance for Ectopia lentis et pupillae. Last evaluated: 2023-04-11. Review status: criteria provided, single submitter. Criteria: ACMG Guidelines, 2015. Collection method: clinical testing. Allele origin: germline. Affected: no.

Genome-Nilou Lab
Classification: Uncertain significance for Ectopia lentis 2, isolated, autosomal recessive. Last evaluated: 2023-04-11. Review status: criteria provided, single submitter. Criteria: ACMG Guidelines, 2015. Collection method: clinical testing. Allele origin: germline. Affected: no.

Labcorp Genetics (formerly Invitae), Labcorp
Classification: Uncertain significance. Last evaluated: 2022-01-11. Review status: criteria provided, single submitter. Criteria: Invitae Variant Classification Sherloc (09022015). Collection method: clinical testing. Allele origin: germline.
Comment: This sequence change replaces alanine, which is neutral and non-polar, with glutamic acid, which is acidic and polar, at codon 377 of the ADAMTSL4 protein (p.Ala377Glu). This variant is present in population databases (rs756900218, gnomAD 0.01%). This variant has not been reported in the literature in individuals affected with ADAMTSL4-related conditions. ClinVar contains an entry for this variant (Variation ID: 874363). Algorithms developed to predict the effect of missense changes on protein structure and function output the following: SIFT: "Tolerated"; PolyPhen-2: "Benign"; Align-GVGD: "Class C0". The glutamic acid amino acid residue is found in multiple mammalian species, which suggests that this missense change does not adversely affect protein function. In summary, the available evidence is currently insufficient to determine the role of this variant in disease. Therefore, it has been classified as a Variant of Uncertain Significance.

Illumina Laboratory Services, Illumina
Classification: Uncertain significance for Ectopia lentis 2, isolated, autosomal recessive. Last evaluated: 2018-01-13. Review status: criteria provided, single submitter. Criteria: ICSL Variant Classification Criteria 13 December 2019. Collection method: clinical testing. Allele origin: germline.